The following is an entry in ClinVar:

NM_001918.5(DBT):c.961C>T (p.Gln321Ter)

Gene: DBT (dihydrolipoamide branched chain transacylase E2; minus strand). Cytogenetic location: 1p21.2.
Variant type: single nucleotide variant.
Coding change: c.961C>T on transcript NM_001918.5 (MANE Select); coding-DNA position 961, C replaced by T.
Protein change: p.Gln321Ter; replaces glutamine 321 with a stop codon.
Molecular consequence: nonsense.
Genome position (GRCh38, 1-based): chr1:100,210,750, G>A on the plus strand (C>T on the coding strand, the complement: DBT is on the minus strand). VCF-style: chr1-100210750-G-A. GRCh37 (hg19) VCF-style: chr1-100676306-G-A.
Other names: short protein forms Q321*.
Identifiers: ClinVar variation 983638 (VCV000983638.7), dbSNP rs1662088383, ClinGen allele CA341335030.

ClinVar aggregate classification (germline): Pathogenic/Likely pathogenic. Review status: criteria provided, multiple submitters, no conflicts (2 of 4 stars). 3 submissions from 3 submitters: Pathogenic (1); Likely pathogenic (2). Last evaluated 2024-03-24.

Conditions:
Maple syrup urine disease (MSUD). Identifiers: Orphanet 511, MedGen C0024776, MeSH D008375, MONDO:0009563. Disease mechanism: loss of function.
Maple syrup urine disease type 1A (MSUD1A). Also called: MSUD type 1A. Identifiers: MedGen C1855369, MONDO:0023691, OMIM 248600.

Submissions (3):

Baylor Genetics
Classification: Likely pathogenic for Maple syrup urine disease type 1A. Last evaluated: 2024-03-24. Review status: criteria provided, single submitter. Criteria: ACMG Guidelines, 2015. Collection method: clinical testing. Allele origin: unknown.

Labcorp Genetics (formerly Invitae), Labcorp
Classification: Pathogenic for Maple syrup urine disease. Last evaluated: 2023-08-24. Review status: criteria provided, single submitter. Criteria: Invitae Variant Classification Sherloc (09022015). Collection method: clinical testing. Allele origin: germline.
Comment: This sequence change creates a premature translational stop signal (p.Gln321*) in the DBT gene. It is expected to result in an absent or disrupted protein product. Loss-of-function variants in DBT are known to be pathogenic (PMID: 16579849, 16786533). This variant is not present in population databases (gnomAD no frequency). This variant has not been reported in the literature in individuals affected with DBT-related conditions. ClinVar contains an entry for this variant (Variation ID: 983638). Algorithms developed to predict the effect of sequence changes on RNA splicing suggest that this variant may disrupt the consensus splice site. For these reasons, this variant has been classified as Pathogenic.

Myriad Genetics, Inc.
Classification: Likely pathogenic for Maple syrup urine disease type 1A. Last evaluated: 2019-09-17. Review status: criteria provided, single submitter. Criteria: Myriad Women's Health Autosomal Recessive and X-Linked Classification Criteria (2019). Collection method: clinical testing. Allele origin: unknown.
Comment: NM_001918.3(DBT):c.961C>T(Q321*) is expected to be pathogenic in the context of maple syrup urine disease type II. This variant is predicted to lead to an abnormal or absent protein product due to the creation of a premature termination codon in DBT, a gene where loss-of-function variants are known to be pathogenic. Please note: this variant was assessed in the context of healthy population screening.

Literature cited by the submitters: PubMed 16579849 (cited by Labcorp Genetics (formerly Invitae), Labcorp); PubMed 16786533 (cited by Labcorp Genetics (formerly Invitae), Labcorp).